The following is an entry in ClinVar:

NM_007294.4(BRCA1):c.2645G>A (p.Cys882Tyr)

Gene: BRCA1 (BRCA1 DNA repair associated; minus strand). Cytogenetic location: 17q21.31.
Variant type: single nucleotide variant.
Coding change: c.2645G>A on transcript NM_007294.4 (MANE Select); coding-DNA position 2645, G replaced by A.
Protein change: p.Cys882Tyr; replaces cysteine 882 with tyrosine.
Molecular consequence: missense variant. On other transcripts: intron variant (137).
Genome position (GRCh38, 1-based): chr17:43,092,886, C>T on the plus strand (G>A on the coding strand, the complement: BRCA1 is on the minus strand). VCF-style: chr17-43092886-C-T. GRCh37 (hg19) VCF-style: chr17-41244903-C-T.
Other names: c.2264G>A, p.Cys755Tyr (NM_001407959.1, NM_001407963.1, NM_001407960.1); c.2504G>A, p.Cys835Tyr (NM_001407729.1, NM_001407733.1, NM_001407734.1 and 29 more transcripts); c.2501G>A, p.Cys834Tyr (NM_001407964.1, NM_001407843.1, NM_001407844.1 and 20 more transcripts); c.2141G>A, p.Cys714Tyr (NM_001407965.1); c.1757G>A, p.Cys586Tyr (NM_001407966.1, NM_001407967.1); c.2261G>A, p.Cys754Tyr (NM_001407962.1); c.2432G>A, p.Cys811Tyr (NM_001407853.1, NM_001407894.1, NM_001407895.1 and 9 more transcripts); c.2645G>A, p.Cys882Tyr (NM_001407854.1, NM_001407858.1, NM_001407859.1 and 30 more transcripts); and 41 more; short protein forms C882Y, C835Y, C755Y, C770Y, C771Y, C812Y, C815Y, C834Y.
Identifiers: ClinVar variation 441383 (VCV000441383.9), dbSNP rs1555589241, ClinGen allele CA10596705.

ClinVar aggregate classification (germline): Conflicting classifications of pathogenicity. Review status: criteria provided, conflicting classifications (1 of 4 stars). 3 submissions from 3 submitters: Uncertain significance (2); Likely benign (1). Last evaluated 2025-03-09.

Conditions:
Hereditary breast ovarian cancer syndrome. Also called: Hereditary breast and ovarian cancer; Breast and ovarian cancer; Hereditary breast and ovarian cancer syndrome; Hereditary breast and/or ovarian cancer syndrome; BRCA1- and BRCA2-Associated Hereditary Breast and Ovarian Cancer; Hereditary breast and ovarian cancer syndrome (HBOC). Identifiers: Orphanet 145, MedGen C0677776, MeSH D061325, MONDO:0003582. Disease mechanism: loss of function.
Hereditary cancer-predisposing syndrome. Also called: Hereditary Cancer Syndrome; Hereditary neoplastic syndrome; Neoplastic Syndromes, Hereditary; Tumor predisposition. Identifiers: Orphanet 140162, MedGen C0027672, MeSH D009386, MONDO:0015356.

Submissions (3):

Labcorp Genetics (formerly Invitae), Labcorp
Classification: Uncertain significance for Hereditary breast ovarian cancer syndrome. Last evaluated: 2025-03-09. Review status: criteria provided, single submitter. Criteria: Invitae Variant Classification Sherloc (09022015). Collection method: clinical testing. Allele origin: germline.
Comment: This sequence change replaces cysteine, which is neutral and slightly polar, with tyrosine, which is neutral and polar, at codon 882 of the BRCA1 protein (p.Cys882Tyr). This variant is not present in population databases (gnomAD no frequency). This variant has not been reported in the literature in individuals affected with BRCA1-related conditions. ClinVar contains an entry for this variant (Variation ID: 441383). Invitae Evidence Modeling of protein sequence and biophysical properties (such as structural, functional, and spatial information, amino acid conservation, physicochemical variation, residue mobility, and thermodynamic stability) indicates that this missense variant is not expected to disrupt BRCA1 protein function with a negative predictive value of 80%. In summary, the available evidence is currently insufficient to determine the role of this variant in disease. Therefore, it has been classified as a Variant of Uncertain Significance.

University of Washington Department of Laboratory Medicine, University of Washington
Classification: Likely benign for Hereditary cancer-predisposing syndrome. Last evaluated: 2023-03-23. Review status: criteria provided, single submitter. Criteria: Dines et al. (Genet Med. 2020). Collection method: curation. Allele origin: germline.
Comment: Missense variant in a coldspot region where missense variants are very unlikely to be pathogenic (PMID:31911673).

BRCA1 coldspot (exon 11 using historical exon numbering). Reclassification based on statistical prior probability

Ambry Genetics
Classification: Uncertain significance for Hereditary cancer-predisposing syndrome. Last evaluated: 2022-05-26. Review status: criteria provided, single submitter. Criteria: Ambry Variant Classification Scheme 2023. Collection method: clinical testing. Allele origin: germline.
Comment: The p.C882Y variant (also known as c.2645G>A), located in coding exon 9 of the BRCA1 gene, results from a G to A substitution at nucleotide position 2645. The cysteine at codon 882 is replaced by tyrosine, an amino acid with highly dissimilar properties. This amino acid position is well conserved in available vertebrate species. In addition, the in silico prediction for this alteration is inconclusive. Since supporting evidence is limited at this time, the clinical significance of this alteration remains unclear.